The following is an entry in ClinVar:

NM_001267550.2(TTN):c.62681G>T (p.Cys20894Phe)

Genes: TTN (titin; minus strand), TTN-AS1 (TTN antisense RNA 1; plus strand). Cytogenetic location: 2q31.2.
Variant type: single nucleotide variant.
Coding change: c.62681G>T on transcript NM_001267550.2 (MANE Select); coding-DNA position 62681, G replaced by T.
Protein change: p.Cys20894Phe; replaces cysteine 20894 with phenylalanine.
Molecular consequence: missense variant.
Genome position (GRCh38, 1-based): chr2:178,589,044, C>A on the plus strand (G>T on the coding strand, the complement: TTN is on the minus strand). VCF-style: chr2-178589044-C-A. GRCh37 (hg19) VCF-style: chr2-179453771-C-A.
Other names: c.57758G>T, p.Cys19253Phe (NM_001256850.1); c.35486G>T, p.Cys11829Phe (NM_003319.4); c.54977G>T, p.Cys18326Phe (NM_133378.4); c.35861G>T, p.Cys11954Phe (NM_133432.3); c.36062G>T, p.Cys12021Phe (NM_133437.4); short protein forms C11829F, C19253F, C12021F, C20894F, C11954F, C18326F.
Identifiers: ClinVar variation 808973 (VCV000808973.27), dbSNP rs370080086, ClinGen allele CA1992192.

ClinVar aggregate classification (germline): Conflicting classifications of pathogenicity. Review status: criteria provided, conflicting classifications (1 of 4 stars). 7 submissions from 7 submitters: Uncertain significance (6); Likely benign (1). Last evaluated 2026-06-17.

Conditions:
Cardiovascular phenotype. Identifiers: MedGen CN230736.
TTN-related disorder. Also called: TTN-related disorders; TTN-related condition; TTN-related disease.
Hypertrophic cardiomyopathy 9. Also called: Familial hypertrophic cardiomyopathy 9. Identifiers: MedGen C1861065, MONDO:0013412, OMIM 613765.
Autosomal recessive limb-girdle muscular dystrophy type 2J (LGMDR10). Also called: Limb-girdle muscular dystrophy, type 2J; MUSCULAR DYSTROPHY, LIMB-GIRDLE, AUTOSOMAL RECESSIVE 10. Identifiers: Orphanet 140922, MedGen C1837342, MONDO:0012127, OMIM 608807.
Myopathy, myofibrillar, 9, with early respiratory failure (MFM9). Also called: Hereditary myopathy with early respiratory failure; EDSTROM MYOPATHY; MYOPATHY, PROXIMAL, WITH EARLY RESPIRATORY MUSCLE INVOLVEMENT; Myopathy, distal, with early respiratory failure, autosomal dominant. Identifiers: Orphanet 178464, Orphanet 34521, MedGen C1863599, MONDO:0011362, OMIM 603689.
Dilated cardiomyopathy 1G (CMD1G). Identifiers: Orphanet 154, MedGen C1858763, MONDO:0011400, OMIM 604145.
Early-onset myopathy with fatal cardiomyopathy (CMYO5). Also called: Salih Myopathy; CONGENITAL MYOPATHY 5 WITH CARDIOMYOPATHY. Identifiers: Orphanet 289377, MedGen C2673677, MONDO:0012714, OMIM 611705. Disease mechanism: loss of function.
Tibial muscular dystrophy (TMD). Also called: UDD MYOPATHY; Tibial muscular dystrophy, tardive; Udd Distal Myopathy – Tibial Muscular Dystrophy. Identifiers: Orphanet 609, MedGen C1838244, MONDO:0010870, OMIM 600334.

Allele frequency attached by ClinVar (database versions not stated): ExAC 0.00007; ESP Exome Variant Server 0.00008; TOPMed 0.00012; gnomAD 0.00013.
gnomAD v4.1: 234 of 1,609,318 alleles (0.015%); highest among the groups gnomAD compares: Middle Eastern, 0.033%; no homozygotes.

Submissions (7):

PreventionGenetics, part of Exact Sciences
Classification: Uncertain significance for TTN-related condition. Last evaluated: 2026-06-17. Review status: criteria provided, single submitter. Criteria: ACMG Guidelines, 2015. Collection method: clinical testing. Allele origin: germline.
Comment: The TTN c.62681G>T variant is predicted to result in the amino acid substitution p.Cys20894Phe. This variant has been reported in an individual with dilated cardiomyopathy (Table S3, Mazzarotto et al. 2020. PubMed ID: 31983221) and in an individual with left ventricular noncompaction (Mehaney et al. 2021. PubMed ID: 34036930). This variant is reported in 0.021% of alleles in individuals of African descent in gnomAD and has conflicting interpretations regarding its pathogenicity in ClinVar, ranging from likely benign to uncertain (Variation ID: 808973). Although we suspect that this variant may be benign, at this time, the clinical significance of this variant is uncertain due to the absence of conclusive functional and genetic evidence.

Molecular Diagnostic Laboratory for Inherited Cardiovascular Disease, Montreal Heart Institute
Classification: Likely benign. Last evaluated: 2025-04-09. Review status: criteria provided, single submitter. Criteria: ACMG Guidelines, 2015. Collection method: clinical testing. Allele origin: germline. Affected: no.

Women's Health and Genetics/Laboratory Corporation of America, LabCorp
Classification: Uncertain significance. Last evaluated: 2024-03-11. Review status: criteria provided, single submitter. Criteria: LabCorp Variant Classification Summary - May 2015. Collection method: clinical testing. Allele origin: germline.
Comment: Variant summary: TTN c.54977G>T (p.Cys18326Phe) results in a non-conservative amino acid change located in the A-band region of the encoded protein sequence. Three of four in-silico tools predict a damaging effect of the variant on protein function. The variant allele was found at a frequency of 8.6e-05 in 244556 control chromosomes. This frequency is not significantly higher than estimated for a pathogenic variant in TTN causing Dilated Cardiomyopathy (8.6e-05 vs 0.00039), allowing no conclusion about variant significance. c.54977G>T has been reported in the literature in at least one individual affected with Dilated Cardiomyopathy (Mazzarotto_2020) and as a VUS in at least one individual affected with left ventricular noncompaction and hypertrophic cardiomyopathy (Mehaney_2022). These reports do not provide unequivocal conclusions about association of the variant with Dilated Cardiomyopathy. To our knowledge, no experimental evidence demonstrating an impact on protein function has been reported. The following publications have been ascertained in the context of this evaluation (PMID: 31983221, 34036930). ClinVar contains an entry for this variant (Variation ID: 808973). Based on the evidence outlined above, the variant was classified as uncertain significance.

Revvity Omics, Revvity
Classification: Uncertain significance. Last evaluated: 2022-06-02. Review status: criteria provided, single submitter. Criteria: ACMG Guidelines, 2015. Collection method: clinical testing. Allele origin: germline.

Fulgent Genetics
Classification: Uncertain significance for Tibial muscular dystrophy; Myopathy, myofibrillar, 9, with early respiratory failure; Dilated cardiomyopathy 1G; Autosomal recessive limb-girdle muscular dystrophy type 2J; Early-onset myopathy with fatal cardiomyopathy; Hypertrophic cardiomyopathy 9. Last evaluated: 2021-08-03. Review status: criteria provided, single submitter. Criteria: ACMG Guidelines, 2015. Collection method: clinical testing. Allele origin: unknown.

Mayo Clinic Laboratories, Mayo Clinic
Classification: Uncertain significance. Last evaluated: 2020-02-24. Review status: criteria provided, single submitter. Criteria: ACMG Guidelines, 2015. Collection method: clinical testing. Allele origin: germline. Observed: 1 variant allele.

Ambry Genetics
Classification: Uncertain significance for Cardiovascular phenotype. Last evaluated: 2018-12-31. Review status: criteria provided, single submitter. Criteria: Ambry Variant Classification Scheme 2023. Collection method: clinical testing. Allele origin: germline.
Comment: The p.C11829F variant (also known as c.35486G>T), located in coding exon 131 of the TTN gene, results from a G to T substitution at nucleotide position 35486. The cysteine at codon 11829 is replaced by phenylalanine, an amino acid with highly dissimilar properties. This amino acid position is highly conserved in available vertebrate species. In addition, the in silico prediction for this alteration is inconclusive. Since supporting evidence is limited at this time, the clinical significance of this alteration remains unclear.

Literature cited by the submitters: PubMed 31983221 (cited by Women's Health and Genetics/Laboratory Corporation of America, LabCorp); PubMed 34036930 (cited by Women's Health and Genetics/Laboratory Corporation of America, LabCorp).